The following is an entry in ClinVar:

NM_177973.2(SULT2B1):c.215-6C>G

Gene: SULT2B1 (sulfotransferase family 2B member 1; plus strand). Cytogenetic location: 19q13.33.
Variant type: single nucleotide variant.
Coding change: c.215-6C>G on transcript NM_177973.2 (MANE Select); 6 bases into the intron before coding-DNA position 215, C replaced by G.
Molecular consequence: intron variant.
Genome position (GRCh38, 1-based): chr19:48,587,223, C>G. VCF-style: chr19-48587223-C-G. GRCh37 (hg19) VCF-style: chr19-49090480-C-G.
Other names: c.170-6C>G (NM_004605.2).
Identifiers: ClinVar variation 737863 (VCV000737863.11), dbSNP rs199730300, ClinGen allele CA9553024.

ClinVar aggregate classification (germline): Benign. Review status: criteria provided, multiple submitters, no conflicts (2 of 4 stars). 3 submissions from 3 submitters: Benign (2). 1 of the submissions does not count toward it. Last evaluated 2025-08-04.

Conditions:
SULT2B1-related disorder. Also called: SULT2B1-related condition.

Allele frequency attached by ClinVar (database versions not stated): gnomAD 0.00088 and 0.00091; TOPMed 0.00096; ESP Exome Variant Server 0.00108; ExAC 0.00137; gnomAD exomes 0.00140 and 0.00082.
gnomAD v4.1: 1,394 of 1,602,946 alleles (0.087%); highest among the groups gnomAD compares: Middle Eastern, 0.9%; 10 homozygotes.

Submissions (4):

Labcorp Genetics (formerly Invitae), Labcorp
Classification: Benign. Last evaluated: 2025-08-04. Review status: criteria provided, single submitter. Criteria: Invitae Variant Classification Sherloc (09022015). Collection method: clinical testing. Allele origin: germline.

Breakthrough Genomics
Classification: Benign. Review status: criteria provided, single submitter. Criteria: ACMG Guidelines, 2015. Collection method: not provided. Allele origin: germline. Inheritance: Autosomal recessive inheritance. Affected: yes.

PreventionGenetics, part of Exact Sciences
Classification: Benign for SULT2B1-related condition. Last evaluated: 2020-07-14. Review status: no assertion criteria provided. Collection method: clinical testing. Allele origin: germline. Not counted in ClinVar's aggregate classification.
Comment: This variant is classified as benign based on ACMG/AMP sequence variant interpretation guidelines (Richards et al. 2015 PMID: 25741868, with internal and published modifications).

Dr. Peter K. Rogan Lab, Western University
No classification provided (evidence only). Condition: Cervical cancer. Review status: no classification provided. Collection method: in vitro. Allele origin: not applicable. Functional consequence: skipped exon. Not counted in ClinVar's aggregate classification.